The following is an entry in ClinVar:

NM_018896.5(CACNA1G):c.6362G>C (p.Gly2121Ala)

Gene: CACNA1G (calcium voltage-gated channel subunit alpha1 G; plus strand). Cytogenetic location: 17q21.33.
Variant type: single nucleotide variant.
Coding change: c.6362G>C on transcript NM_018896.5 (MANE Select); coding-DNA position 6362, G replaced by C.
Protein change: p.Gly2121Ala; replaces glycine 2121 with alanine.
Molecular consequence: missense variant. On other transcripts: non-coding transcript variant (5).
Genome position (GRCh38, 1-based): chr17:50,624,492, G>C. VCF-style: chr17-50624492-G-C. GRCh37 (hg19) VCF-style: chr17-48701853-G-C.
Other names: c.6050G>C, p.Gly2017Ala (NM_198378.3, NM_001256334.2); c.6125G>C, p.Gly2042Ala (NM_198379.3); c.6194G>C, p.Gly2065Ala (NM_198380.3); c.6014G>C, p.Gly2005Ala (NM_198382.3); c.6149G>C, p.Gly2050Ala (NM_198383.3); c.6083G>C, p.Gly2028Ala (NM_198384.3, NM_001256333.2); c.6227G>C, p.Gly2076Ala (NM_198385.3); c.6029G>C, p.Gly2010Ala (NM_198386.3); and 15 more; short protein forms G1971A, G1976A, G1983A, G1987A, G1990A, G1992A, G1994A, G2001A.
Identifiers: ClinVar variation 1707936 (VCV001707936.2), dbSNP rs2545881929, ClinGen allele CA400270503.

ClinVar aggregate classification (germline): Uncertain significance (1 of 4 stars; one submission).

Submission:

GeneDx
Classification: Uncertain significance. Last evaluated: 2022-03-28. Review status: criteria provided, single submitter. Criteria: GeneDx Variant Classification Process June 2021. Collection method: clinical testing. Allele origin: germline. Affected: yes.
Comment: Has not been previously published as pathogenic or benign to our knowledge; Not observed at significant frequency in large population cohorts (gnomAD); In silico analysis supports that this missense variant does not alter protein structure/function